The following is an entry in ClinVar:

ClinVar aggregate classification (germline): Uncertain significance (1 of 4 stars; one submission).

Conditions:
Ataxia-telangiectasia syndrome (AT). Also called: ATAXIA-TELANGIECTASIA, COMPLEMENTATION GROUP A; ATAXIA-TELANGIECTASIA, FRESNO VARIANT; Ataxia-telangiectasia; Ataxia-telangiectasia, complementation group E; LOUIS-BAR SYNDROME; Cerebello-oculocutaneous telangiectasia. Identifiers: Orphanet 100, MedGen C0004135, MONDO:0008840, OMIM 208900.

Submission:

Labcorp Genetics (formerly Invitae), Labcorp
Classification: Uncertain significance for Ataxia-telangiectasia syndrome. Last evaluated: 2022-05-19. Review status: criteria provided, single submitter. Criteria: Invitae Variant Classification Sherloc (09022015). Collection method: clinical testing. Allele origin: germline.
Comment: This sequence change replaces glycine, which is neutral and non-polar, with alanine, which is neutral and non-polar, at codon 2013 of the ATM protein (p.Gly2013Ala). This variant is not present in population databases (gnomAD no frequency). This variant has not been reported in the literature in individuals affected with ATM-related conditions. Advanced modeling of protein sequence and biophysical properties (such as structural, functional, and spatial information, amino acid conservation, physicochemical variation, residue mobility, and thermodynamic stability) performed at Invitae indicates that this missense variant is not expected to disrupt ATM protein function. In summary, the available evidence is currently insufficient to determine the role of this variant in disease. Therefore, it has been classified as a Variant of Uncertain Significance.

NM_000051.4(ATM):c.6038G>C (p.Gly2013Ala)

Genes: ATM (ATM serine/threonine kinase; plus strand), C11orf65 (chromosome 11 open reading frame 65; minus strand). Cytogenetic location: 11q22.3.
Variant type: single nucleotide variant.
Coding change: c.6038G>C on transcript NM_000051.4 (MANE Select); coding-DNA position 6038, G replaced by C.
Protein change: p.Gly2013Ala; replaces glycine 2013 with alanine.
Molecular consequence: missense variant. On other transcripts: intron variant (2).
Genome position (GRCh38, 1-based): chr11:108,315,854, G>C. VCF-style: chr11-108315854-G-C. GRCh37 (hg19) VCF-style: chr11-108186581-G-C.
Other names: c.6038G>C, p.Gly2013Ala (NM_001351834.2); c.641-6783C>G (NM_001330368.2); c.*39-6783C>G (NM_001351110.2); short protein forms G2013A.
Identifiers: ClinVar variation 2130839 (VCV002130839.4), dbSNP rs2084588118, ClinGen allele CA382549914.